The following is an entry in ClinVar:

ClinVar aggregate classification (germline): Conflicting classifications of pathogenicity. Review status: criteria provided, conflicting classifications (1 of 4 stars). 4 submissions from 4 submitters: Uncertain significance (3); Likely benign (1). Last evaluated 2024-10-21.

Conditions:
Hereditary cancer-predisposing syndrome. Also called: Hereditary neoplastic syndrome; Neoplastic Syndromes, Hereditary; Tumor predisposition; Hereditary Cancer Syndrome. Identifiers: Orphanet 140162, MedGen C0027672, MeSH D009386, MONDO:0015356.
Hereditary breast ovarian cancer syndrome. Also called: Hereditary breast and ovarian cancer syndrome (HBOC); BRCA1- and BRCA2-Associated Hereditary Breast and Ovarian Cancer; Hereditary breast and ovarian cancer syndrome; Breast and ovarian cancer; Hereditary breast and ovarian cancer; Hereditary breast and/or ovarian cancer syndrome. Identifiers: Orphanet 145, MedGen C0677776, MeSH D061325, MONDO:0003582. Disease mechanism: loss of function.
Familial cancer of breast. Also called: BREAST CANCER, FAMILIAL; hereditary breast carcinoma; Hereditary breast cancer. Identifiers: Orphanet 227535, MedGen C0346153, MONDO:0016419, OMIM 114480. Disease mechanism: loss of function.

Allele frequency attached by ClinVar (database versions not stated): gnomAD exomes below 0.00001.
gnomAD v4.1: 1 of 1,613,650 alleles (0.000062%); highest among the groups gnomAD compares: Non-Finnish European, 0.000085%; no homozygotes.

Submissions (4):

Labcorp Genetics (formerly Invitae), Labcorp
Classification: Uncertain significance for Hereditary breast ovarian cancer syndrome. Last evaluated: 2024-10-21. Review status: criteria provided, single submitter. Criteria: Invitae Variant Classification Sherloc (09022015). Collection method: clinical testing. Allele origin: germline.
Comment: This sequence change replaces isoleucine, which is neutral and non-polar, with methionine, which is neutral and non-polar, at codon 411 of the BRCA2 protein (p.Ile411Met). This variant is not present in population databases (gnomAD no frequency). This variant has not been reported in the literature in individuals affected with BRCA2-related conditions. ClinVar contains an entry for this variant (Variation ID: 531334). Invitae Evidence Modeling of protein sequence and biophysical properties (such as structural, functional, and spatial information, amino acid conservation, physicochemical variation, residue mobility, and thermodynamic stability) indicates that this missense variant is not expected to disrupt BRCA2 protein function with a negative predictive value of 95%. In summary, the available evidence is currently insufficient to determine the role of this variant in disease. Therefore, it has been classified as a Variant of Uncertain Significance.

KCCC/NGS Laboratory, Kuwait Cancer Control Center
Classification: Uncertain significance for Familial cancer of breast. Last evaluated: 2023-07-18. Review status: criteria provided, single submitter. Criteria: ACMG Guidelines, 2015. Collection method: clinical testing. Allele origin: unknown. Inheritance: Autosomal dominant inheritance. Affected: yes. Observed: 1 heterozygote.
Comment: This sequence change replaces isoleucine, which is neutral and non-polar, with methionine, which is neutral and non-polar, at codon 411 of the BRCA2 protein (p.Ile411Met). This variant is not present in population databases (gnomAD no frequency). This variant has not been reported in the literature in individuals affected with BRCA2-related conditions. ClinVar contains an entry for this variant (Variation ID: 531334). his amino acid position is poorly conserved in (PhyloP= -1.08). In addition, this alteration is predicted to be tolerated by in silico analysis. . In summary, the available evidence is currently insufficient to determine the role of this variant in disease. Therefore, it has been classified as a Variant of Uncertain Significance.

University of Washington Department of Laboratory Medicine, University of Washington
Classification: Likely benign for Hereditary cancer-predisposing syndrome. Last evaluated: 2023-03-23. Review status: criteria provided, single submitter. Criteria: Dines et al. (Genet Med. 2020). Collection method: curation. Allele origin: germline.
Comment: Missense variant in a coldspot region where missense variants are very unlikely to be pathogenic (PMID:31911673).

BRCA2 exon 10 coldspot. Reclassification based on statistical prior probability.

Ambry Genetics
Classification: Uncertain significance for Hereditary cancer-predisposing syndrome. Last evaluated: 2020-09-22. Review status: criteria provided, single submitter. Criteria: Ambry Variant Classification Scheme 2023. Collection method: clinical testing. Allele origin: germline.
Comment: The p.I411M variant (also known as c.1233A>G), located in coding exon 9 of the BRCA2 gene, results from an A to G substitution at nucleotide position 1233. The isoleucine at codon 411 is replaced by methionine, an amino acid with highly similar properties. This amino acid position is poorly conserved in available vertebrate species. In addition, this alteration is predicted to be tolerated by in silico analysis. Since supporting evidence is limited at this time, the clinical significance of this alteration remains unclear.

NM_000059.4(BRCA2):c.1233A>G (p.Ile411Met)

Gene: BRCA2 (BRCA2 DNA repair associated; plus strand). Cytogenetic location: 13q13.1.
Variant type: single nucleotide variant.
Coding change: c.1233A>G on transcript NM_000059.4 (MANE Select); coding-DNA position 1233, A replaced by G.
Protein change: p.Ile411Met; replaces isoleucine 411 with methionine.
Molecular consequence: missense variant.
Genome position (GRCh38, 1-based): chr13:32,332,711, A>G. VCF-style: chr13-32332711-A-G. GRCh37 (hg19) VCF-style: chr13-32906848-A-G.
Other names: short protein forms I411M.
Identifiers: ClinVar variation 531334 (VCV000531334.16), dbSNP rs1555281784, ClinGen allele CA387762198.